The following is an entry in ClinVar:

ClinVar aggregate classification (germline): Uncertain significance. Review status: criteria provided, multiple submitters, no conflicts (2 of 4 stars). 3 submissions from 3 submitters: Uncertain significance (3). Last evaluated 2025-09-05.

Conditions:
Intellectual disability, autosomal dominant 16 (CSS4). Also called: COFFIN-SIRIS SYNDROME 4. Identifiers: Orphanet 1465, MedGen C3553249, MONDO:0013821, OMIM 614609.
Hereditary cancer-predisposing syndrome. Also called: Neoplastic Syndromes, Hereditary; Tumor predisposition; Hereditary Cancer Syndrome; Hereditary neoplastic syndrome. Identifiers: Orphanet 140162, MedGen C0027672, MeSH D009386, MONDO:0015356.
Rhabdoid tumor predisposition syndrome 2 (RTPS2). Identifiers: Orphanet 231108, Orphanet 69077, MedGen C2750074, MONDO:0013224, OMIM 613325.

Submissions (3):

Labcorp Genetics (formerly Invitae), Labcorp
Classification: Uncertain significance for Rhabdoid tumor predisposition syndrome 2. Last evaluated: 2025-09-05. Review status: criteria provided, single submitter. Criteria: Invitae Variant Classification Sherloc (09022015). Collection method: clinical testing. Allele origin: germline.
Comment: This sequence change replaces lysine, which is basic and polar, with arginine, which is basic and polar, at codon 1091 of the SMARCA4 protein (p.Lys1091Arg). This variant is not present in population databases (gnomAD no frequency). This variant has not been reported in the literature in individuals affected with SMARCA4-related conditions. ClinVar contains an entry for this variant (Variation ID: 484947). Invitae Evidence Modeling of protein sequence and biophysical properties (such as structural, functional, and spatial information, amino acid conservation, physicochemical variation, residue mobility, and thermodynamic stability) indicates that this missense variant is expected to disrupt SMARCA4 protein function with a positive predictive value of 95%. In summary, the available evidence is currently insufficient to determine the role of this variant in disease. Therefore, it has been classified as a Variant of Uncertain Significance.

Ambry Genetics
Classification: Uncertain significance for Hereditary cancer-predisposing syndrome. Last evaluated: 2021-10-05. Review status: criteria provided, single submitter. Criteria: Ambry Variant Classification Scheme 2023. Collection method: clinical testing. Allele origin: germline.
Comment: The p.K1091R variant (also known as c.3272A>G), located in coding exon 23 of the SMARCA4 gene, results from an A to G substitution at nucleotide position 3272. The lysine at codon 1091 is replaced by arginine, an amino acid with highly similar properties. This amino acid position is highly conserved in available vertebrate species. In addition, the in silico prediction for this alteration is inconclusive. Missense and in-frame variants in SMARCA4 are known to cause neurodevelopmental disorders; however, such associations with rhabdoid tumor predisposition syndrome including small cell carcinoma of the ovary-hypercalcemic type (SCCOHT) are exceedingly rare (Kosho T et al. Am J Med Genet C Semin Med Genet. 2014 Sep;166C(3):262-75; Jelinic P et al. Nat Genet. 2014 May;46(5):424-6). Based on the supporting evidence, the association of this alteration with Coffin-Siris syndrome is unknown; however, the association of this alteration with rhabdoid tumor predisposition syndrome is unlikely.

Genome-Nilou Lab
Classification: Uncertain significance for Intellectual disability, autosomal dominant 16. Last evaluated: 2021-07-15. Review status: criteria provided, single submitter. Criteria: ACMG Guidelines, 2015. Collection method: clinical testing. Allele origin: germline. Affected: no.

NM_003072.5(SMARCA4):c.3272A>G (p.Lys1091Arg)

Gene: SMARCA4 (SWI/SNF related BAF chromatin remodeling complex subunit ATPase 4; plus strand). Cytogenetic location: 19p13.2.
Variant type: single nucleotide variant.
Coding change: c.3272A>G on transcript NM_003072.5 (MANE Select); coding-DNA position 3272, A replaced by G.
Protein change: p.Lys1091Arg; replaces lysine 1091 with arginine.
Molecular consequence: missense variant. On other transcripts: non-coding transcript variant (1).
Genome position (GRCh38, 1-based): chr19:11,027,840, A>G. VCF-style: chr19-11027840-A-G. GRCh37 (hg19) VCF-style: chr19-11138516-A-G.
Other names: c.3272A>G, p.Lys1091Arg (NM_001128844.3, NM_001128845.2, NM_001128846.2 and 5 more transcripts); short protein forms K1091R.
Identifiers: ClinVar variation 484947 (VCV000484947.17), dbSNP rs1555781772, ClinGen allele CA404061459.